The following is an entry in ClinVar:

ClinVar aggregate classification (germline): Uncertain significance. Review status: criteria provided, multiple submitters, no conflicts (2 of 4 stars). 4 submissions from 4 submitters: Uncertain significance (4). Last evaluated 2025-07-22.

Conditions:
Familial melanoma. Also called: Hereditary melanoma; Hereditary cutaneous melanoma. Identifiers: Orphanet 618, MedGen C1512419, MONDO:0018961.
Melanoma-pancreatic cancer syndrome. Identifiers: Orphanet 404560, MedGen C1838547, MONDO:0011713, OMIM 606719. Disease mechanism: loss of function.
Melanoma, cutaneous malignant, susceptibility to, 2 (CMM2). Also called: Cutaneous malignant melanoma 2; CDKN2A-Related Cutaneous Malignant Melanoma. Identifiers: Orphanet 618, MedGen C1835044, MONDO:0007964, OMIM 155601.
Melanoma and neural system tumor syndrome. Also called: MELANOMA-ASTROCYTOMA SYNDROME. Identifiers: Orphanet 252206, MedGen C1835042, MONDO:0007967, OMIM 155755.
Hereditary cancer-predisposing syndrome. Also called: Neoplastic Syndromes, Hereditary; Tumor predisposition; Hereditary Cancer Syndrome; Hereditary neoplastic syndrome. Identifiers: Orphanet 140162, MedGen C0027672, MeSH D009386, MONDO:0015356.

Allele frequency attached by ClinVar (database versions not stated): TOPMed 0.00004.
gnomAD v4.1: 7 of 1,604,276 alleles (0.00044%); highest among the groups gnomAD compares: Admixed American, 0.005%; no homozygotes.

Submissions (4):

Labcorp Genetics (formerly Invitae), Labcorp
Classification: Uncertain significance for Familial melanoma. Last evaluated: 2025-07-22. Review status: criteria provided, single submitter. Criteria: Invitae Variant Classification Sherloc (09022015). Collection method: clinical testing. Allele origin: germline.
Comment: This sequence change replaces methionine, which is neutral and non-polar, with arginine, which is basic and polar, at codon 9 of the CDKN2A (p16INK4a) protein (p.Met9Arg). This variant is present in population databases (rs145445140, gnomAD 0.003%). This variant has not been reported in the literature in individuals affected with CDKN2A (p16INK4a)-related conditions. ClinVar contains an entry for this variant (Variation ID: 821690). An algorithm developed to predict the effect of missense changes on protein structure and function (PolyPhen-2) suggests that this variant is likely to be tolerated. In summary, the available evidence is currently insufficient to determine the role of this variant in disease. Therefore, it has been classified as a Variant of Uncertain Significance.

Color Diagnostics, LLC DBA Color Health
Classification: Uncertain significance for Hereditary cancer-predisposing syndrome. Last evaluated: 2024-05-21. Review status: criteria provided, single submitter. Criteria: ACMG Guidelines, 2015. Collection method: clinical testing. Allele origin: germline.
Comment: The CDKN2A locus encodes two different gene products, p16INK4a and p14ARF. This missense variant replaces methionine with arginine at codon 9 of the CDKN2A (p16INK4A) protein. Computational prediction suggests that this variant may not impact protein structure and function. To our knowledge, functional studies have not been reported for this variant. This variant has not been reported in individuals affected with CDKN2A-related disorders in the literature. This variant has been identified in 2/232042 chromosomes in the general population by the Genome Aggregation Database (gnomAD). The available evidence is insufficient to determine the role of this variant in disease conclusively. Therefore, this variant is classified as a Variant of Uncertain Significance.

Fulgent Genetics
Classification: Uncertain significance for Melanoma, cutaneous malignant, susceptibility to, 2; Melanoma and neural system tumor syndrome; Melanoma-pancreatic cancer syndrome. Last evaluated: 2024-05-21. Review status: criteria provided, single submitter. Criteria: ACMG Guidelines, 2015. Collection method: clinical testing. Allele origin: germline.

Ambry Genetics
Classification: Uncertain significance for Hereditary cancer-predisposing syndrome. Last evaluated: 2024-03-20. Review status: criteria provided, single submitter. Criteria: Ambry Variant Classification Scheme 2023. Collection method: clinical testing. Allele origin: germline.
Comment: The p.M9R variant (also known as c.26T>G), located in coding exon 1 of the CDKN2A gene, results from a T to G substitution at nucleotide position 26. The methionine at codon 9 is replaced by arginine, an amino acid with similar properties. This amino acid position is not conserved on limited sequence alignment. In addition, this alteration is predicted to be tolerated by in silico analysis. Based on the available evidence, the clinical significance of this alteration remains unclear.

NM_000077.5(CDKN2A):c.26T>G (p.Met9Arg)

Gene: CDKN2A (cyclin dependent kinase inhibitor 2A; minus strand). Cytogenetic location: 9p21.3.
Variant type: single nucleotide variant.
Coding change: c.26T>G on transcript NM_000077.5; coding-DNA position 26, T replaced by G.
Protein change: p.Met9Arg; replaces methionine 9 with arginine.
Molecular consequence: missense variant (on NM_000077.6). On other transcripts: intron variant (2).
Genome position (GRCh38, 1-based): chr9:21,974,802, A>C on the plus strand (T>G on the coding strand, the complement: CDKN2A is on the minus strand). VCF-style: chr9-21974802-A-C. GRCh37 (hg19) VCF-style: chr9-21974801-A-C.
Other names: c.26T>G, p.Met9Arg (NM_000077.6, NM_001195132.2, NM_058197.5); c.-3-3594T>G (NM_001363763.2); c.194-3594T>G (NM_058195.4); short protein forms M9R.
Identifiers: ClinVar variation 821690 (VCV000821690.19), dbSNP rs145445140, ClinGen allele CA5012335.